The following is an entry in ClinVar:

NM_004991.4(MECOM):c.3286A>G (p.Ile1096Val)

Gene: MECOM (MDS1 and EVI1 complex locus; minus strand). Cytogenetic location: 3q26.2.
Variant type: single nucleotide variant.
Coding change: c.3286A>G on transcript NM_004991.4 (MANE Select); coding-DNA position 3286, A replaced by G.
Protein change: p.Ile1096Val; replaces isoleucine 1096 with valine.
Molecular consequence: missense variant.
Genome position (GRCh38, 1-based): chr3:169,090,115, T>C on the plus strand (A>G on the coding strand, the complement: MECOM is on the minus strand). VCF-style: chr3-169090115-T-C. GRCh37 (hg19) VCF-style: chr3-168807903-T-C.
Other names: c.2917A>G, p.Ile973Val (NM_001105077.4); c.2722A>G, p.Ile908Val (NM_001105078.4, NM_001205194.2, NM_001366469.2 and 1 more transcripts); c.2698A>G, p.Ile900Val (NM_001163999.2, NM_001366470.2); c.2695A>G, p.Ile899Val (NM_001164000.2, NM_001366471.2, NM_001366472.2); c.3259A>G, p.Ile1087Val (NM_001366466.2); c.2725A>G, p.Ile909Val (NM_001366467.2, NM_001366468.2); c.2287A>G, p.Ile763Val (NM_001366473.2); c.1723A>G, p.Ile575Val (NM_001366474.2); short protein forms I908V, I973V, I1096V, I763V, I900V, I1087V, I575V, I899V.
Identifiers: ClinVar variation 4105891 (VCV004105891.1).

ClinVar aggregate classification (germline): Uncertain significance (1 of 4 stars; one submission).

Conditions:
Inborn genetic diseases. Identifiers: MedGen C0950123, MeSH D030342.

Submission:

Ambry Genetics
Classification: Uncertain significance for Inborn genetic diseases. Last evaluated: 2025-08-30. Review status: criteria provided, single submitter. Criteria: Ambry Variant Classification Scheme 2023. Collection method: clinical testing. Allele origin: germline.
Comment: The p.I1096V variant (also known as c.3286A>G), located in coding exon 15 of the MECOM gene, results from an A to G substitution at nucleotide position 3286. The isoleucine at codon 1096 is replaced by valine, an amino acid with highly similar properties. This amino acid position is conserved. In addition, this alteration is predicted to be tolerated by in silico analysis. Based on the available evidence, the clinical significance of this variant remains unclear.